The following is an entry in ClinVar:

NM_000092.5(COL4A4):c.4207T>C (p.Ser1403Pro)

Gene: COL4A4 (collagen type IV alpha 4 chain; minus strand). Cytogenetic location: 2q36.3.
Variant type: single nucleotide variant.
Coding change: c.4207T>C on transcript NM_000092.5 (MANE Select); coding-DNA position 4207, T replaced by C.
Protein change: p.Ser1403Pro; replaces serine 1403 with proline.
Molecular consequence: missense variant.
Genome position (GRCh38, 1-based): chr2:227,022,057, A>G on the plus strand (T>C on the coding strand, the complement: COL4A4 is on the minus strand). VCF-style: chr2-227022057-A-G. GRCh37 (hg19) VCF-style: chr2-227886773-A-G.
Other names: short protein forms S1403P.
Identifiers: ClinVar variation 255038 (VCV000255038.27), dbSNP rs3752895, ClinGen allele CA2144250.

ClinVar aggregate classification (germline): Benign/Likely benign. Review status: criteria provided, multiple submitters, no conflicts (2 of 4 stars). 13 submissions from 13 submitters: Benign (11); Likely benign (1). 1 of the submissions does not count toward it. Last evaluated 2026-02-04.

Conditions:
Alport syndrome. Also called: Hemorrhagic familial nephritis; Hemorrhagic hereditary nephritis; Congenital hereditary hematuria. Identifiers: Orphanet 63, MedGen C1567741, MONDO:0018965.
Autosomal recessive Alport syndrome (ATS2). Also called: ALPORT SYNDROME 2, AUTOSOMAL RECESSIVE; Alport syndrome type 2; COL4A4 Alport Syndrome and Thin Basement Membrane Nephropathy; COL4A3-Related Nephropathy. Identifiers: Orphanet 63, Orphanet 88919, MedGen C4746745, MONDO:0008762, OMIM 203780.

Allele frequency attached by ClinVar (database versions not stated): gnomAD exomes 0.44146 and 0.47731; ExAC 0.47628; ESP Exome Variant Server 0.47825; gnomAD 0.49523 and 0.49558; TOPMed 0.49977; 1000 Genomes Project 0.52616; 1000 Genomes Project 30x 0.52748.
gnomAD v4.1: 720,444 of 1,612,828 alleles (45%); highest among the groups gnomAD compares: African/African-American, 63%; 164,328 homozygotes.

Submissions (13):

Labcorp Genetics (formerly Invitae), Labcorp
Classification: Benign. Last evaluated: 2026-02-04. Review status: criteria provided, single submitter. Criteria: Invitae Variant Classification Sherloc (09022015). Collection method: clinical testing. Allele origin: germline.

Women's Health and Genetics/Laboratory Corporation of America, LabCorp
Classification: Likely benign. Last evaluated: 2024-11-29. Review status: criteria provided, single submitter. Criteria: LabCorp Variant Classification Summary - May 2015. Collection method: clinical testing. Allele origin: germline.

Blueprint Genetics
Classification: Benign. Last evaluated: 2024-11-26. Review status: criteria provided, single submitter. Criteria: ACMG Guidelines, 2015. Collection method: clinical testing. Allele origin: germline.

Unidad de Genómica Garrahan, Hospital de Pediatría Garrahan
Classification: Benign. Last evaluated: 2024-07-15. Review status: criteria provided, single submitter. Criteria: ACMG Guidelines, 2015. Collection method: clinical testing. Allele origin: germline. Affected: no. Observed: 65 variant alleles.
Comment: This variant is classified as Benign based on local population frequency. This variant was detected in 70% of patients studied in a panel designed for Epileptic and Developmental Encephalopathy and Progressive Myoclonus Epilepsy. Number of patients: 65. Only high quality variants are reported.

Mayo Clinic Laboratories, Mayo Clinic
Classification: Benign. Last evaluated: 2022-03-09. Review status: criteria provided, single submitter. Criteria: ACMG Guidelines, 2015. Collection method: clinical testing. Allele origin: germline. Observed: 259 variant alleles.

Genome-Nilou Lab
Classification: Benign for Autosomal recessive Alport syndrome. Last evaluated: 2021-07-10. Review status: criteria provided, single submitter. Criteria: ACMG Guidelines, 2015. Collection method: clinical testing. Allele origin: germline. Affected: no.

Illumina Laboratory Services, Illumina
Classification: Benign for Alport syndrome. Last evaluated: 2018-01-12. Review status: criteria provided, single submitter. Criteria: ICSL Variant Classification Criteria 13 December 2019. Collection method: clinical testing. Allele origin: germline.
Comment: This variant was observed in the ICSL laboratory as part of a predisposition screen in an ostensibly healthy population. It had not been previously curated by ICSL or reported in the Human Gene Mutation Database (HGMD: prior to June 1st, 2018), and was therefore a candidate for classification through an automated scoring system. Utilizing variant allele frequency, disease prevalence and penetrance estimates, and inheritance mode, an automated score was calculated to assess if this variant is too frequent to cause the disease. Based on the score and internal cut-off values, a variant classified as benign is not then subjected to further curation. The score for this variant resulted in a classification of benign for this disease.

GeneDx
Classification: Benign. Last evaluated: 2017-05-09. Review status: criteria provided, single submitter. Criteria: GeneDx Variant Classification (06012015). Collection method: clinical testing. Allele origin: germline. Affected: yes.
Comment: This variant is considered likely benign or benign based on one or more of the following criteria: it is a conservative change, it occurs at a poorly conserved position in the protein, it is predicted to be benign by multiple in silico algorithms, and/or has population frequency not consistent with disease.

Athena Diagnostics
Classification: Benign. Last evaluated: 2017-04-03. Review status: criteria provided, single submitter. Criteria: Athena Diagnostics Criteria. Collection method: clinical testing. Allele origin: germline.

Laboratory for Molecular Medicine, Mass General Brigham Personalized Medicine
Classification: Benign. Last evaluated: 2016-03-21. Review status: criteria provided, single submitter. Criteria: LMM Criteria. Collection method: clinical testing. Allele origin: germline. Observed: 197 variant alleles.
Comment: p.Ser1403Pro in exon 44 of COL4A4: This variant is not expected to have clinical significance because it has been identified in 68.91% (911/1322) of African chr omosomes by the 1000 Genomes Project (Phase 3; dbSNP rs3752895).

Breakthrough Genomics
Classification: Benign. Review status: criteria provided, single submitter. Criteria: ACMG Guidelines, 2015. Collection method: not provided. Allele origin: germline. Inheritance: Autosomal recessive inheritance. Affected: yes.

PreventionGenetics, part of Exact Sciences
Classification: Benign. Review status: criteria provided, single submitter. Criteria: ACMG Guidelines, 2015. Collection method: clinical testing. Allele origin: germline.

Natera, Inc.
Classification: Benign for Alport syndrome. Last evaluated: 2020-09-16. Review status: no assertion criteria provided. Collection method: clinical testing. Allele origin: germline. Not counted in ClinVar's aggregate classification.